The following is an entry in ClinVar:

NM_001034853.2(RPGR):c.2059G>T (p.Glu687Ter)

Gene: RPGR (retinitis pigmentosa GTPase regulator; minus strand). Cytogenetic location: Xp11.4.
Variant type: single nucleotide variant.
Coding change: c.2059G>T on transcript NM_001034853.2 (MANE Select); coding-DNA position 2059, G replaced by T.
Protein change: p.Glu687Ter; replaces glutamic acid 687 with a stop codon.
Molecular consequence: nonsense. On other transcripts: intron variant (8).
Genome position (GRCh38, 1-based): chrX:38,286,940, C>A on the plus strand (G>T on the coding strand, the complement: RPGR is on the minus strand). VCF-style: chrX-38286940-C-A. GRCh37 (hg19) VCF-style: chrX-38146193-C-A.
Other names: c.1569+4019G>T (NM_001367249.1, NM_001367250.1); c.1902+154G>T (NM_001367245.1); c.1386+4019G>T (NM_001367251.1); c.1719+154G>T (NM_001367246.1); c.1572+4019G>T (NM_001367247.1); c.1905+154G>T (NM_000328.3); c.1602+4019G>T (NM_001367248.1); short protein forms E687*.
Identifiers: ClinVar variation 866277 (VCV000866277.7), dbSNP rs2067194648, ClinGen allele CA412731549.

ClinVar aggregate classification (germline): Pathogenic/Likely pathogenic. Review status: criteria provided, multiple submitters, no conflicts (2 of 4 stars). 3 submissions from 2 submitters: Pathogenic (1); Likely pathogenic (1). 1 of the submissions does not count toward it. Last evaluated 2022-02-12.

Conditions:
Primary ciliary dyskinesia. Also called: Ciliary dyskinesia. Identifiers: Orphanet 244, MedGen C0008780, MONDO:0016575, HP:0012265.
Retinitis pigmentosa 3. Also called: CHOROIDORETINAL DEGENERATION WITH RETINAL REFLEX IN HETEROZYGOUS WOMEN. Identifiers: Orphanet 791, MedGen C1845667, MONDO:0010227, OMIM 300029.
Retinal dystrophy. Also called: Inherited retinal dystrophy. Identifiers: Orphanet 71862, MedGen C0854723, MeSH D058499, MONDO:0019118, HP:0000556.

Submissions (3):

Labcorp Genetics (formerly Invitae), Labcorp
Classification: Pathogenic for Primary ciliary dyskinesia. Last evaluated: 2022-02-12. Review status: criteria provided, single submitter. Criteria: Invitae Variant Classification Sherloc (09022015). Collection method: clinical testing. Allele origin: germline.
Comment: This sequence change creates a premature translational stop signal (p.Glu687*) in the RPGR (ORF15) gene. While this is not anticipated to result in nonsense mediated decay, it is expected to disrupt the last 466 amino acid(s) of the RPGR (ORF15) protein. This variant is not present in population databases (gnomAD no frequency). This variant has not been reported in the literature in individuals affected with RPGR (ORF15)-related conditions. ClinVar contains an entry for this variant (Variation ID: 866277). This variant disrupts a region of the RPGR (ORF15) protein in which other variant(s) (p.Leu1130Lysfs*13) have been determined to be pathogenic (PMID: 22264887; Invitae). This suggests that this is a clinically significant region of the protein, and that variants that disrupt it are likely to be disease-causing. For these reasons, this variant has been classified as Pathogenic.

Blueprint Genetics
Classification: Likely pathogenic for Retinal dystrophy. Last evaluated: 2019-01-24. Review status: criteria provided, single submitter. Criteria: Blueprint Genetics Variant Classification Scheme. Collection method: clinical testing. Allele origin: germline. Affected: yes.

Blueprint Genetics
Classification: Likely pathogenic for Retinitis pigmentosa 3. Review status: no assertion criteria provided. Collection method: clinical testing. Allele origin: germline. Affected: yes. Not counted in ClinVar's aggregate classification.

Literature cited by the submitters: PubMed 22264887 (cited by Labcorp Genetics (formerly Invitae), Labcorp).